The following is an entry in ClinVar:

NM_000081.4(LYST):c.11368A>G (p.Met3790Val)

Gene: LYST (lysosomal trafficking regulator; minus strand). Cytogenetic location: 1q42.3.
Variant type: single nucleotide variant.
Coding change: c.11368A>G on transcript NM_000081.4 (MANE Select); coding-DNA position 11368, A replaced by G.
Protein change: p.Met3790Val; replaces methionine 3790 with valine.
Molecular consequence: missense variant.
Genome position (GRCh38, 1-based): chr1:235,662,978, T>C on the plus strand (A>G on the coding strand, the complement: LYST is on the minus strand). VCF-style: chr1-235662978-T-C. GRCh37 (hg19) VCF-style: chr1-235826278-T-C.
Other names: c.11368A>G (NM_000081.3, NM_000081.2); c.11368A>G, p.Met3790Val (NM_001301365.1); short protein forms M3790V.
Identifiers: ClinVar variation 1046121 (VCV001046121.7), dbSNP rs1176492788, ClinGen allele CA344984044.

ClinVar aggregate classification (germline): Uncertain significance. Review status: criteria provided, multiple submitters, no conflicts (2 of 4 stars). 3 submissions from 3 submitters: Uncertain significance (3). Last evaluated 2022-10-14.

Conditions:
Chédiak-Higashi syndrome (CHS). Also called: Chediak-Higashi Syndrome. Identifiers: Orphanet 167, MedGen C0007965, MONDO:0008963, OMIM 214500.
Inborn genetic diseases. Identifiers: MedGen C0950123, MeSH D030342.

Allele frequency attached by ClinVar (database versions not stated): gnomAD 0.00001; TOPMed 0.00002.
gnomAD v4.1: 48 of 1,612,090 alleles (0.003%); highest among the groups gnomAD compares: Non-Finnish European, 0.0036%; no homozygotes.

Submissions (3):

Labcorp Genetics (formerly Invitae), Labcorp
Classification: Uncertain significance for Chédiak-Higashi syndrome. Last evaluated: 2022-10-14. Review status: criteria provided, single submitter. Criteria: Invitae Variant Classification Sherloc (09022015). Collection method: clinical testing. Allele origin: germline.
Comment: This sequence change replaces methionine, which is neutral and non-polar, with valine, which is neutral and non-polar, at codon 3790 of the LYST protein (p.Met3790Val). The frequency data for this variant in the population databases is considered unreliable, as metrics indicate poor data quality at this position in the gnomAD database. This variant has not been reported in the literature in individuals affected with LYST-related conditions. ClinVar contains an entry for this variant (Variation ID: 1046121). Advanced modeling of protein sequence and biophysical properties (such as structural, functional, and spatial information, amino acid conservation, physicochemical variation, residue mobility, and thermodynamic stability) performed at Invitae indicates that this missense variant is not expected to disrupt LYST protein function. In summary, the available evidence is currently insufficient to determine the role of this variant in disease. Therefore, it has been classified as a Variant of Uncertain Significance.

Ambry Genetics
Classification: Uncertain significance for Inborn genetic diseases. Last evaluated: 2021-09-17. Review status: criteria provided, single submitter. Criteria: Ambry Variant Classification Scheme 2023. Collection method: clinical testing. Allele origin: germline.

Revvity Omics, Revvity
Classification: Uncertain significance for Chédiak-Higashi syndrome. Last evaluated: 2019-04-27. Review status: criteria provided, single submitter. Criteria: ACMG Guidelines, 2015. Collection method: clinical testing. Allele origin: germline.